The following is an entry in ClinVar:

NM_199242.3(UNC13D):c.2495C>T (p.Ala832Val)

Gene: UNC13D (unc-13 homolog D; minus strand). Cytogenetic location: 17q25.1.
Variant type: single nucleotide variant.
Coding change: c.2495C>T on transcript NM_199242.3 (MANE Select); coding-DNA position 2495, C replaced by T.
Protein change: p.Ala832Val; replaces alanine 832 with valine.
Molecular consequence: missense variant.
Genome position (GRCh38, 1-based): chr17:75,831,301, G>A on the plus strand (C>T on the coding strand, the complement: UNC13D is on the minus strand). VCF-style: chr17-75831301-G-A. GRCh37 (hg19) VCF-style: chr17-73827382-G-A.
Other names: short protein forms A832V.
Identifiers: ClinVar variation 1399809 (VCV001399809.7), dbSNP rs201931051, ClinGen allele CA8772496.

ClinVar aggregate classification (germline): Uncertain significance (1 of 4 stars; one submission).

Conditions:
Familial hemophagocytic lymphohistiocytosis 3 (FHL3). Also called: UNC13D-Related Familial Hemophagocytic Lymphohistiocytosis (UNC13D-fHLH). Identifiers: Orphanet 540, MedGen C1837174, MONDO:0012146, OMIM 608898.

Allele frequency attached by ClinVar (database versions not stated): 1000 Genomes Project 30x 0.00016; 1000 Genomes Project 0.00020; ExAC 0.00003; gnomAD exomes 0.00003 and 0.00004; ESP Exome Variant Server 0.00008.
gnomAD v4.1: 55 of 1,613,618 alleles (0.0034%); highest among the groups gnomAD compares: East Asian, 0.0045%; no homozygotes.

Submission:

Labcorp Genetics (formerly Invitae), Labcorp
Classification: Uncertain significance for Familial hemophagocytic lymphohistiocytosis 3. Last evaluated: 2025-10-07. Review status: criteria provided, single submitter. Criteria: Invitae Variant Classification Sherloc (09022015). Collection method: clinical testing. Allele origin: germline.
Comment: This sequence change replaces alanine, which is neutral and non-polar, with valine, which is neutral and non-polar, at codon 832 of the UNC13D protein (p.Ala832Val). This variant is present in population databases (rs201931051, gnomAD 0.006%). This missense change has been observed in individual(s) with hemophagocytic lymphohistiocytosis (PMID: 29665027). ClinVar contains an entry for this variant (Variation ID: 1399809). Invitae Evidence Modeling of protein sequence and biophysical properties (such as structural, functional, and spatial information, amino acid conservation, physicochemical variation, residue mobility, and thermodynamic stability) indicates that this missense variant is not expected to disrupt UNC13D protein function with a negative predictive value of 80%. In summary, the available evidence is currently insufficient to determine the role of this variant in disease. Therefore, it has been classified as a Variant of Uncertain Significance.

Literature cited by the submitters: PubMed 29665027.